The following is an entry in ClinVar:

NM_015378.4(VPS13D):c.12962T>G (p.Val4321Gly)

Gene: VPS13D (vacuolar protein sorting 13 homolog D; plus strand). Cytogenetic location: 1p36.21.
Variant type: single nucleotide variant.
Coding change: c.12962T>G on transcript NM_015378.4 (MANE Select); coding-DNA position 12962, T replaced by G.
Protein change: p.Val4321Gly; replaces valine 4321 with glycine.
Molecular consequence: missense variant.
Genome position (GRCh38, 1-based): chr1:12,507,020, T>G. VCF-style: chr1-12507020-T-G. GRCh37 (hg19) VCF-style: chr1-12567074-T-G.
Other names: c.12887T>G, p.Val4296Gly (NM_018156.4); short protein forms V4296G, V4321G.
Identifiers: ClinVar variation 3377964 (VCV003377964.1).

ClinVar aggregate classification (germline): Uncertain significance (1 of 4 stars; one submission).

Submission:

GeneDx
Classification: Uncertain significance. Last evaluated: 2024-05-17. Review status: criteria provided, single submitter. Criteria: GeneDx Variant Classification Process June 2021. Collection method: clinical testing. Allele origin: germline. Affected: yes.
Comment: Not observed at significant frequency in large population cohorts (gnomAD); In silico analysis supports that this missense variant has a deleterious effect on protein structure/function; Has not been previously published as pathogenic or benign to our knowledge